The following is an entry in ClinVar:

ClinVar aggregate classification (germline): Uncertain significance (1 of 4 stars; one submission).

Conditions:
Catecholaminergic polymorphic ventricular tachycardia (CVPT). Also called: Catecholamine-induced polymorphic ventricular tachycardia. Identifiers: Orphanet 3286, MedGen C5574922, MONDO:0017990.

Submission:

All of Us Research Program, National Institutes of Health
Classification: Uncertain significance for Catecholaminergic polymorphic ventricular tachycardia. Last evaluated: 2023-05-16. Review status: criteria provided, single submitter. Criteria: ACMG Guidelines, 2015. Collection method: clinical testing. Allele origin: germline. Inheritance: Autosomal dominant inheritance. Observed: 1 variant allele, 1 heterozygote.
Comment: This missense variant replaces glutamic acid with lysine at codon 683 of the RYR2 protein. Computational prediction is inconclusive regarding the impact of this variant on protein structure and function (internally defined REVEL score threshold 0.5 < inconclusive < 0.7, PMID: 27666373). To our knowledge, functional studies have not been reported for this variant. This variant has not been reported in individuals affected with RYR2-related disorders in the literature. This variant has not been identified in the general population by the Genome Aggregation Database (gnomAD). The available evidence is insufficient to determine the role of this variant in disease conclusively. Therefore, this variant is classified as a Variant of Uncertain Significance.

This study involves interpretation of variants in research participants for the purpose of population health screening. Participant phenotype was not available at the time of variant classification. Additional details can be found in publication PMID: 35346344, PMCID: PMC8962531

NM_001035.3(RYR2):c.2047G>A (p.Glu683Lys)

Gene: RYR2 (ryanodine receptor 2; plus strand). Cytogenetic location: 1q43.
Variant type: single nucleotide variant.
Coding change: c.2047G>A on transcript NM_001035.3 (MANE Select); coding-DNA position 2047, G replaced by A.
Protein change: p.Glu683Lys; replaces glutamic acid 683 with lysine.
Molecular consequence: missense variant.
Genome position (GRCh38, 1-based): chr1:237,496,596, G>A. VCF-style: chr1-237496596-G-A. GRCh37 (hg19) VCF-style: chr1-237659896-G-A.
Other names: short protein forms E683K.
Identifiers: ClinVar variation 3071012 (VCV003071012.1), dbSNP rs2545835729, ClinGen allele CA345391518.
Genomic context (GRCh38, chr1:237,496,596, plus strand): 5'-GTCAGTGAAGGTTCTGCTCAGTATAAGAAATGGTACTATGAATTGATGGTGGACCACACA[G>A]AGCCCTTTGTGACAGCTGAAGCAACTCACCTGCGAGTGGGCTGGGCTTCCACTGAAGGAT-3'
Protein context (NP_001026.2, residues 673-693): WYYELMVDHT[Glu683Lys]PFVTAEATHL